The following is an entry in ClinVar:

NM_001385641.1(SAMD11):c.2284G>A (p.Ala762Thr)

Gene: SAMD11 (sterile alpha motif domain containing 11; plus strand). Cytogenetic location: 1p36.33.
Variant type: single nucleotide variant.
Coding change: c.2284G>A on transcript NM_001385641.1 (MANE Select); coding-DNA position 2284, G replaced by A.
Protein change: p.Ala762Thr; replaces alanine 762 with threonine.
Molecular consequence: missense variant.
Genome position (GRCh38, 1-based): chr1:943,803, G>A. VCF-style: chr1-943803-G-A. GRCh37 (hg19) VCF-style: chr1-879183-G-A.
Other names: c.2287G>A, p.Ala763Thr (NM_001385640.1); c.1795G>A, p.Ala599Thr (NM_152486.4); short protein forms A763T, A762T, A599T.
Identifiers: ClinVar variation 2069419 (VCV002069419.4), dbSNP rs1455101682, ClinGen allele CA337817170.

ClinVar aggregate classification (germline): Uncertain significance (1 of 4 stars; one submission).

Allele frequency attached by ClinVar (database versions not stated): gnomAD exomes below 0.00001.
gnomAD v4.1: 1 of 1,612,834 alleles (0.000062%); highest among the groups gnomAD compares: Non-Finnish European, 0.000085%; no homozygotes.

Submission:

Labcorp Genetics (formerly Invitae), Labcorp
Classification: Uncertain significance. Last evaluated: 2022-01-01. Review status: criteria provided, single submitter. Criteria: Invitae Variant Classification Sherloc (09022015). Collection method: clinical testing. Allele origin: germline.
Comment: Algorithms developed to predict the effect of missense changes on protein structure and function are either unavailable or do not agree on the potential impact of this missense change (SIFT: "Deleterious"; PolyPhen-2: "Benign"; Align-GVGD: "Class C0"). This variant has not been reported in the literature in individuals affected with SAMD11-related conditions. This variant is not present in population databases (gnomAD no frequency). This sequence change replaces alanine, which is neutral and non-polar, with threonine, which is neutral and polar, at codon 599 of the SAMD11 protein (p.Ala599Thr). In summary, the available evidence is currently insufficient to determine the role of this variant in disease. Therefore, it has been classified as a Variant of Uncertain Significance.